The following is an entry in ClinVar:

NM_001378156.1(C1QB):c.400C>T (p.Arg134Trp)

Gene: C1QB (complement C1q B chain; plus strand). Cytogenetic location: 1p36.12.
Variant type: single nucleotide variant.
Coding change: c.400C>T on transcript NM_001378156.1 (MANE Select); coding-DNA position 400, C replaced by T.
Protein change: p.Arg134Trp; replaces arginine 134 with tryptophan.
Molecular consequence: missense variant.
Genome position (GRCh38, 1-based): chr1:22,661,030, C>T. VCF-style: chr1-22661030-C-T. GRCh37 (hg19) VCF-style: chr1-22987523-C-T.
Other names: c.406C>T, p.Arg136Trp (NM_000491.5); c.400C>T, p.Arg134Trp (NM_001371184.3); c.406C>T (NM_000491.3, NM_000491.4); short protein forms R134W, R136W.
Identifiers: ClinVar variation 1362954 (VCV001362954.6), dbSNP rs149072794, ClinGen allele CA678156.

ClinVar aggregate classification (germline): Uncertain significance. Review status: criteria provided, multiple submitters, no conflicts (2 of 4 stars). 3 submissions from 3 submitters: Uncertain significance (3). Last evaluated 2024-11-19.

Conditions:
Inborn genetic diseases. Identifiers: MedGen C0950123, MeSH D030342.
C1Q deficiency 2. Identifiers: MedGen C5830422, MONDO:0958187, OMIM 620321.

Allele frequency attached by ClinVar (database versions not stated): 1000 Genomes Project 30x 0.00016; ExAC 0.00018; gnomAD exomes 0.00019 and 0.00036; 1000 Genomes Project 0.00020; gnomAD 0.00022; TOPMed 0.00032; ESP Exome Variant Server 0.00038.

Submissions (3):

Labcorp Genetics (formerly Invitae), Labcorp
Classification: Uncertain significance. Last evaluated: 2024-11-19. Review status: criteria provided, single submitter. Criteria: Invitae Variant Classification Sherloc (09022015). Collection method: clinical testing. Allele origin: germline.
Comment: This sequence change replaces arginine, which is basic and polar, with tryptophan, which is neutral and slightly polar, at codon 136 of the C1QB protein (p.Arg136Trp). This variant is present in population databases (rs149072794, gnomAD 0.03%). This variant has not been reported in the literature in individuals affected with C1QB-related conditions. ClinVar contains an entry for this variant (Variation ID: 1362954). An algorithm developed to predict the effect of missense changes on protein structure and function (PolyPhen-2) suggests that this variant is likely to be disruptive. In summary, the available evidence is currently insufficient to determine the role of this variant in disease. Therefore, it has been classified as a Variant of Uncertain Significance.

Fulgent Genetics
Classification: Uncertain significance for C1Q deficiency 2. Last evaluated: 2024-05-14. Review status: criteria provided, single submitter. Criteria: ACMG Guidelines, 2015. Collection method: clinical testing. Allele origin: germline.

Ambry Genetics
Classification: Uncertain significance for Inborn genetic diseases. Last evaluated: 2023-11-21. Review status: criteria provided, single submitter. Criteria: Ambry Variant Classification Scheme 2023. Collection method: clinical testing. Allele origin: germline.